The following is an entry in ClinVar:

ClinVar aggregate classification (germline): Uncertain significance (1 of 4 stars; one submission).

Conditions:
Severe combined immunodeficiency due to DNA-PKcs deficiency. Also called: IMMUNODEFICIENCY 26 WITH NEUROLOGIC ABNORMALITIES; Immunodeficiency 26 with or without neurologic abnormalities. Identifiers: Orphanet 317425, MedGen C4014833, MONDO:0014423, OMIM 615966.

Submission:

Labcorp Genetics (formerly Invitae), Labcorp
Classification: Uncertain significance for Immunodeficiency 26 with or without neurologic abnormalities. Last evaluated: 2019-09-12. Review status: criteria provided, single submitter. Criteria: Invitae Variant Classification Sherloc (09022015). Collection method: clinical testing. Allele origin: germline.
Comment: This variant results in a copy number gain of the genomic region encompassing exons 1-16 of the PRKDC gene, which includes the initiator codon. The 5' end of this event is unknown as it extends beyond the assayed region for this gene and therefore may encompass additional genes. The 3' boundary is likely confined to intron 16 of the PRKDC gene. As the precise location of this event is unknown, it may be in tandem or it may be located elsewhere in the genome. This variant has not been reported in the literature in individuals with PRKDC-related conditions. In summary, the available evidence is currently insufficient to determine the role of this variant in disease. Therefore, it has been classified as a Variant of Uncertain Significance.

NC_000008.11:g.(?_47933000)_(47960146_?)dup

Gene: PRKDC (protein kinase, DNA-activated, catalytic subunit; minus strand). Cytogenetic location: 8q11.21.
Variant type: Duplication.
Identifiers: ClinVar variation 830650 (VCV000830650.1).